The following is an entry in ClinVar:

ClinVar aggregate classification (germline): Benign/Likely benign. Review status: criteria provided, multiple submitters, no conflicts (2 of 4 stars). 17 submissions from 14 submitters: Benign (12); Likely benign (1). 4 of the submissions do not count toward it. Last evaluated 2026-02-04.

Conditions:
ABCA4-related disorder. Also called: ABCA4-related condition; ABCA4-related disorders. Identifiers: MedGen CN239167.
Retinal dystrophy. Also called: Inherited retinal dystrophy. Identifiers: Orphanet 71862, MedGen C0854723, MeSH D058499, MONDO:0019118, HP:0000556.
Age related macular degeneration 2. Also called: MACULAR DEGENERATION, SENILE; MACULOPATHY, AGE-RELATED, 2; MACULOPATHY, AGE-RELATED. Identifiers: MedGen C3495438, MONDO:0007932, OMIM 153800.
Cone-rod dystrophy 3 (CORD3). Identifiers: Orphanet 1872, MedGen C1858806, MONDO:0011395, OMIM 604116.
Severe early-childhood-onset retinal dystrophy (STGD1). Also called: MACULAR DYSTROPHY WITH FLECKS, TYPE 1; STGD; Stargardt disease 1; Stargardt macular dystrophy; Juvenile onset macular degeneration. Identifiers: Orphanet 364055, Orphanet 827, MedGen C1855465, MeSH D000080362, MONDO:0009549, OMIM 248200.
Retinitis pigmentosa 19 (RP19). Also called: ABCA4-Related Retinitis Pigmentosa. Identifiers: Orphanet 791, MedGen C1866422, MONDO:0011137, OMIM 601718.

Allele frequency attached by ClinVar (database versions not stated): 1000 Genomes Project 0.20068; gnomAD 0.23459 and 0.23813; 1000 Genomes Project 30x 0.20222; TOPMed 0.23326; ESP Exome Variant Server 0.24927; gnomAD exomes 0.21582 and 0.23742; ExAC 0.21967.
gnomAD v4.1: 381,790 of 1,613,792 alleles (24%); highest among the groups gnomAD compares: African/African-American, 25%; 46,504 homozygotes.

Submissions (17):

Labcorp Genetics (formerly Invitae), Labcorp
Classification: Benign. Last evaluated: 2026-02-04. Review status: criteria provided, single submitter. Criteria: Invitae Variant Classification Sherloc (09022015). Collection method: clinical testing. Allele origin: germline.

Blueprint Genetics
Classification: Benign. Last evaluated: 2024-11-26. Review status: criteria provided, single submitter. Criteria: ACMG Guidelines, 2015. Collection method: clinical testing. Allele origin: germline.

ARUP Laboratories, Molecular Genetics and Genomics, ARUP Laboratories
Classification: Benign. Last evaluated: 2023-11-11. Review status: criteria provided, single submitter. Criteria: ARUP Molecular Germline Variant Investigation Process 2024. Collection method: clinical testing. Allele origin: germline.

Dept Of Ophthalmology, Nagoya University
Classification: Benign for Retinal dystrophy. Last evaluated: 2023-10-01. Review status: criteria provided, single submitter. Criteria: Submitter's publication. Collection method: research. Allele origin: germline. Affected: yes.

Genome-Nilou Lab
Classification: Benign for Severe early-childhood-onset retinal dystrophy. Last evaluated: 2021-07-14. Review status: criteria provided, single submitter. Criteria: ACMG Guidelines, 2015. Collection method: clinical testing. Allele origin: germline. Affected: no.

Genome-Nilou Lab
Classification: Benign for Retinitis pigmentosa 19. Last evaluated: 2021-07-14. Review status: criteria provided, single submitter. Criteria: ACMG Guidelines, 2015. Collection method: clinical testing. Allele origin: germline. Affected: no.

Genome-Nilou Lab
Classification: Benign for Cone-rod dystrophy 3. Last evaluated: 2021-07-14. Review status: criteria provided, single submitter. Criteria: ACMG Guidelines, 2015. Collection method: clinical testing. Allele origin: germline. Affected: no.

Genome-Nilou Lab
Classification: Benign for Age related macular degeneration 2. Last evaluated: 2021-07-14. Review status: criteria provided, single submitter. Criteria: ACMG Guidelines, 2015. Collection method: clinical testing. Allele origin: germline. Affected: no.

Illumina Laboratory Services, Illumina
Classification: Benign for ABCA4-Related Disorders. Last evaluated: 2018-01-13. Review status: criteria provided, single submitter. Criteria: ICSL Variant Classification Criteria 13 December 2019. Collection method: clinical testing. Allele origin: germline.
Comment: This variant was observed in the ICSL laboratory as part of a predisposition screen in an ostensibly healthy population. It had not been previously curated by ICSL or reported in the Human Gene Mutation Database (HGMD: prior to June 1st, 2018), and was therefore a candidate for classification through an automated scoring system. Utilizing variant allele frequency, disease prevalence and penetrance estimates, and inheritance mode, an automated score was calculated to assess if this variant is too frequent to cause the disease. Based on the score and internal cut-off values, a variant classified as benign is not then subjected to further curation. The score for this variant resulted in a classification of benign for this disease.

Eurofins Ntd Llc (ga)
Classification: Benign. Last evaluated: 2014-06-11. Review status: criteria provided, single submitter. Criteria: EGL Classification Definitions 2015. Collection method: clinical testing. Allele origin: germline. Observed: 1 variant allele, 1 homozygote.

GeneDx
Classification: Benign. Last evaluated: 2012-10-10. Review status: criteria provided, single submitter. Criteria: GeneDx Variant Classification (06012015). Collection method: clinical testing. Allele origin: germline. Affected: yes.
Comment: This variant is considered likely benign or benign based on one or more of the following criteria: it is a conservative change, it occurs at a poorly conserved position in the protein, it is predicted to be benign by multiple in silico algorithms, and/or has population frequency not consistent with disease.

Breakthrough Genomics
Classification: Likely benign. Review status: criteria provided, single submitter. Criteria: ACMG Guidelines, 2015. Collection method: not provided. Allele origin: germline. Inheritance: Autosomal recessive inheritance. Affected: yes.

PreventionGenetics, part of Exact Sciences
Classification: Benign. Review status: criteria provided, single submitter. Criteria: ACMG Guidelines, 2015. Collection method: clinical testing. Allele origin: germline.

Clinical Genetics DNA and cytogenetics Diagnostics Lab, Erasmus MC, Erasmus Medical Center
Classification: Benign. Review status: no assertion criteria provided. Collection method: clinical testing. Allele origin: germline. Affected: yes. Study: VKGL Data-share Consensus. Not counted in ClinVar's aggregate classification.

Diagnostic Laboratory, Department of Genetics, University Medical Center Groningen
Classification: Benign. Review status: no assertion criteria provided. Collection method: clinical testing. Allele origin: germline. Affected: yes. Study: VKGL Data-share Consensus. Not counted in ClinVar's aggregate classification.

Joint Genome Diagnostic Labs from Nijmegen and Maastricht, Radboudumc and MUMC+
Classification: Benign. Review status: no assertion criteria provided. Collection method: clinical testing. Allele origin: germline. Affected: yes. Study: VKGL Data-share Consensus. Not counted in ClinVar's aggregate classification.

Retina International
No classification provided. Review status: no classification provided. Collection method: not provided. Allele origin: unknown. Not counted in ClinVar's aggregate classification.

NM_000350.3(ABCA4):c.5682G>C (p.Leu1894=)

Gene: ABCA4 (ATP binding cassette subfamily A member 4; minus strand). Cytogenetic location: 1p22.1.
Variant type: single nucleotide variant.
Coding change: c.5682G>C on transcript NM_000350.3 (MANE Select); coding-DNA position 5682, G replaced by C.
Protein change: p.Leu1894=; no amino-acid change (leucine 1894 retained).
Molecular consequence: synonymous variant.
Genome position (GRCh38, 1-based): chr1:94,010,832, C>G on the plus strand (G>C on the coding strand, the complement: ABCA4 is on the minus strand). VCF-style: chr1-94010832-C-G. GRCh37 (hg19) VCF-style: chr1-94476388-C-G.
Other names: p.L1894L:CTG>CTC; c.5460G>C, p.Leu1820= (NM_001425324.1).
Identifiers: ClinVar variation 99396 (VCV000099396.40), dbSNP rs1801574, ClinGen allele CA202871.